The following is an entry in ClinVar:

ClinVar aggregate classification (germline): Uncertain significance (1 of 4 stars; one submission).

Submission:

Labcorp Genetics (formerly Invitae), Labcorp
Classification: Uncertain significance. Last evaluated: 2023-11-06. Review status: criteria provided, single submitter. Criteria: Invitae Variant Classification Sherloc (09022015). Collection method: clinical testing. Allele origin: germline.
Comment: This variant results in a copy number gain of the genomic region encompassing exon(s) 2-28 of the TTLL5 gene. This region includes the initiator codon of the gene. This copy number gain extends beyond the assayed region for this gene and therefore may encompass additional genes. As the precise location of this event is unknown, it may be in tandem or it may be located elsewhere in the genome. This variant has not been reported in the literature in individuals affected with TTLL5-related conditions. Experimental studies and prediction algorithms are not available or were not evaluated, and the functional significance of this variant is currently unknown. In summary, the available evidence is currently insufficient to determine the role of this variant in disease. Therefore, it has been classified as a Variant of Uncertain Significance.

NC_000014.8:g.(?_76129493)_(76286524_?)dup

Gene: TTLL5 (tubulin tyrosine ligase like 5; plus strand). Cytogenetic location: 14q24.3.
Variant type: Duplication.
Identifiers: ClinVar variation 2426059 (VCV002426059.4).